The following is an entry in ClinVar:

NM_032977.4(CASP10):c.532G>T (p.Val178Leu)

Gene: CASP10 (caspase 10; plus strand). Cytogenetic location: 2q33.1.
Variant type: single nucleotide variant.
Coding change: c.532G>T on transcript NM_032977.4 (MANE Select); coding-DNA position 532, G replaced by T.
Protein change: p.Val178Leu; replaces valine 178 with leucine.
Molecular consequence: missense variant.
Genome position (GRCh38, 1-based): chr2:201,193,074, G>T. VCF-style: chr2-201193074-G-T. GRCh37 (hg19) VCF-style: chr2-202057797-G-T.
Other names: c.532G>T, p.Val178Leu (NM_032974.5, NM_032976.4, NM_001206524.2 and 3 more transcripts); short protein forms V178L.
Identifiers: ClinVar variation 3749114 (VCV003749114.2).

ClinVar aggregate classification (germline): Uncertain significance (1 of 4 stars; one submission).

Conditions:
Autoimmune lymphoproliferative syndrome type 2A (ALPS2A). Also called: CASP10-Related Autoimmune Lymphoproliferative Syndrome; Autoimmune lymphoproliferative syndrome type 2; AUTOIMMUNE LYMPHOPROLIFERATIVE SYNDROME, TYPE IIA. Identifiers: Orphanet 3261, MedGen C1858968, MONDO:0011383, OMIM 603909.

gnomAD v4.1: 4 of 1,613,778 alleles (0.00025%); highest among the groups gnomAD compares: African/African-American, 0.004%; no homozygotes.

Submission:

Labcorp Genetics (formerly Invitae), Labcorp
Classification: Uncertain significance for Autoimmune lymphoproliferative syndrome type 2A. Last evaluated: 2024-08-20. Review status: criteria provided, single submitter. Criteria: Invitae Variant Classification Sherloc (09022015). Collection method: clinical testing. Allele origin: germline.
Comment: This sequence change replaces valine, which is neutral and non-polar, with leucine, which is neutral and non-polar, at codon 178 of the CASP10 protein (p.Val178Leu). This variant is present in population databases (rs773452930, gnomAD 0.01%). This variant has not been reported in the literature in individuals affected with CASP10-related conditions. Invitae Evidence Modeling of protein sequence and biophysical properties (such as structural, functional, and spatial information, amino acid conservation, physicochemical variation, residue mobility, and thermodynamic stability) indicates that this missense variant is not expected to disrupt CASP10 protein function with a negative predictive value of 80%. In summary, the available evidence is currently insufficient to determine the role of this variant in disease. Therefore, it has been classified as a Variant of Uncertain Significance.